The following is an entry in ClinVar:

ClinVar aggregate classification (germline): Uncertain significance (1 of 4 stars; one submission).

gnomAD v4.1: 1 of 1,613,932 alleles (0.000062%); no homozygotes.

Submission:

GeneDx
Classification: Uncertain significance. Last evaluated: 2026-04-06. Review status: criteria provided, single submitter. Criteria: GeneDx Variant Classification Process June 2021. Collection method: clinical testing. Allele origin: germline.
Comment: Not observed at significant frequency in large population cohorts (gnomAD); In silico analysis supports that this missense variant has a deleterious effect on protein structure/function; Has not been previously published as pathogenic or benign to our knowledge

NM_016628.5(WAC):c.1630C>T (p.Pro544Ser)

Gene: WAC (WW domain containing adaptor with coiled-coil; plus strand). Cytogenetic location: 10p12.1.
Variant type: single nucleotide variant.
Coding change: c.1630C>T on transcript NM_016628.5 (MANE Select); coding-DNA position 1630, C replaced by T.
Protein change: p.Pro544Ser; replaces proline 544 with serine.
Molecular consequence: missense variant.
Genome position (GRCh38, 1-based): chr10:28,616,246, C>T. VCF-style: chr10-28616246-C-T. GRCh37 (hg19) VCF-style: chr10-28905175-C-T.
Other names: c.1321C>T, p.Pro441Ser (NM_100486.4); c.1495C>T, p.Pro499Ser (NM_100264.3); short protein forms P441S, P499S, P544S.
Identifiers: ClinVar variation 5036966 (VCV005036966.1).